The following is an entry in ClinVar:

ClinVar aggregate classification (germline): Pathogenic (1 of 4 stars; one submission).

Conditions:
Hypertrophic cardiomyopathy. Also called: HYPERTROPHIC MYOCARDIOPATHY. Identifiers: Orphanet 217569, MedGen C0007194, MeSH D002312, MONDO:0005045, HP:0001639.

Submission:

Labcorp Genetics (formerly Invitae), Labcorp
Classification: Pathogenic for Hypertrophic cardiomyopathy. Last evaluated: 2019-07-12. Review status: criteria provided, single submitter. Criteria: Invitae Variant Classification Sherloc (09022015). Collection method: clinical testing. Allele origin: germline.
Comment: For these reasons, this variant has been classified as Pathogenic. Loss-of-function variants in MYBPC3 are known to be pathogenic (PMID: 19574547). This variant has not been reported in the literature in individuals with MYBPC3-related conditions. This variant is not present in population databases (ExAC no frequency). This sequence change creates a premature translational stop signal (p.Asp228Metfs*72) in the MYBPC3 gene. It is expected to result in an absent or disrupted protein product.

Literature cited by the submitters: PubMed 19574547.

NM_000256.3(MYBPC3):c.681del (p.Asp228fs)

Gene: MYBPC3 (myosin binding protein C3; minus strand). Cytogenetic location: 11p11.2.
Variant type: Deletion.
Coding change: c.681del on transcript NM_000256.3 (MANE Select); coding-DNA position 681, one base deleted (C; older notation c.681delC).
Protein change: p.Asp228fs; shifts the reading frame from aspartic acid 228.
Molecular consequence: frameshift variant.
Genome position (GRCh38, 1-based): chr11:47,348,515, G deleted on the plus strand (C on the coding strand, the reverse complement: MYBPC3 is on the minus strand); the first of 2 consecutive G bases (chr11:47,348,515-47,348,516); deleting either gives the same sequence. VCF-style (leftmost placement, unchanged base first): chr11-47348514-CG-C. GRCh37 (hg19) VCF-style: chr11-47370065-CG-C.
Other names: short protein forms D228fs.
Identifiers: ClinVar variation 963628 (VCV000963628.7), dbSNP rs2095896870, ClinGen allele CA1139661943.
Genomic context (GRCh38, chr11:47,348,514, plus strand): 5'-CAAATTTGTCCTTGGTGGACACCTCACAGCGGTAGCTGCCAGTGAAGGCAGGCTGGGCAT[CG>C]GTGATGTGCAGCTCGAACAGATAGACCTGTGTGCATGGAGGGACGGGGCGTCAGGGGACA-3'